The following is an entry in ClinVar:

ClinVar aggregate classification (germline): Uncertain significance. Review status: criteria provided, multiple submitters, no conflicts (2 of 4 stars). 4 submissions from 4 submitters: Uncertain significance (4). Last evaluated 2025-11-21.

Conditions:
Atrial fibrillation, familial, 7 (ATFB7). Identifiers: MedGen C2677106, MONDO:0012828, OMIM 612240.

Allele frequency attached by ClinVar (database versions not stated): gnomAD exomes 0.00002; TOPMed 0.00005; gnomAD 0.00006; 1000 Genomes Project 0.00020.

Submissions (4):

Labcorp Genetics (formerly Invitae), Labcorp
Classification: Uncertain significance for Atrial fibrillation, familial, 7. Last evaluated: 2025-11-21. Review status: criteria provided, single submitter. Criteria: Invitae Variant Classification Sherloc (09022015). Collection method: clinical testing. Allele origin: germline.
Comment: This sequence change replaces arginine, which is basic and polar, with tryptophan, which is neutral and slightly polar, at codon 65 of the KCNA5 protein (p.Arg65Trp). The frequency data for this variant in the population databases is considered unreliable, as metrics indicate poor data quality at this position in the gnomAD database. This variant has not been reported in the literature in individuals affected with KCNA5-related conditions. ClinVar contains an entry for this variant (Variation ID: 1401129). Experimental studies and prediction algorithms are not available or were not evaluated, and the functional significance of this variant is currently unknown. In summary, the available evidence is currently insufficient to determine the role of this variant in disease. Therefore, it has been classified as a Variant of Uncertain Significance.

Revvity Omics, Revvity
Classification: Uncertain significance for Atrial fibrillation, familial, 7. Last evaluated: 2025-02-27. Review status: criteria provided, single submitter. Criteria: ACMG Guidelines, 2015. Collection method: clinical testing. Allele origin: germline.

GeneDx
Classification: Uncertain significance. Last evaluated: 2023-08-28. Review status: criteria provided, single submitter. Criteria: GeneDx Variant Classification Process June 2021. Collection method: clinical testing. Allele origin: germline. Affected: yes.
Comment: Has not been previously published as pathogenic or benign to our knowledge; In silico analysis supports that this missense variant does not alter protein structure/function

Fulgent Genetics
Classification: Uncertain significance for Atrial fibrillation, familial, 7. Last evaluated: 2021-10-25. Review status: criteria provided, single submitter. Criteria: ACMG Guidelines, 2015. Collection method: clinical testing. Allele origin: unknown.

NM_002234.4(KCNA5):c.193C>T (p.Arg65Trp)

Gene: KCNA5 (potassium voltage-gated channel subfamily A member 5; plus strand). Cytogenetic location: 12p13.32.
Variant type: single nucleotide variant.
Coding change: c.193C>T on transcript NM_002234.4 (MANE Select); coding-DNA position 193, C replaced by T.
Protein change: p.Arg65Trp; replaces arginine 65 with tryptophan.
Molecular consequence: missense variant.
Genome position (GRCh38, 1-based): chr12:5,044,340, C>T. VCF-style: chr12-5044340-C-T. GRCh37 (hg19) VCF-style: chr12-5153506-C-T.
Other names: c.193C>T (NM_002234.2); short protein forms R65W.
Identifiers: ClinVar variation 1401129 (VCV001401129.9), dbSNP rs539270866, ClinGen allele CA6399561.